The following is an entry in ClinVar:

NM_005546.4(ITK):c.823G>A (p.Val275Met)

Gene: ITK (IL2 inducible T cell kinase; plus strand). Cytogenetic location: 5q33.3.
Variant type: single nucleotide variant.
Coding change: c.823G>A on transcript NM_005546.4 (MANE Select); coding-DNA position 823, G replaced by A.
Protein change: p.Val275Met; replaces valine 275 with methionine.
Molecular consequence: missense variant.
Genome position (GRCh38, 1-based): chr5:157,238,163, G>A. VCF-style: chr5-157238163-G-A. GRCh37 (hg19) VCF-style: chr5-156665173-G-A.
Other names: short protein forms V275M.
Identifiers: ClinVar variation 960571 (VCV000960571.10), dbSNP rs780522355, ClinGen allele CA3532906.

ClinVar aggregate classification (germline): Uncertain significance. Review status: criteria provided, multiple submitters, no conflicts (2 of 4 stars). 2 submissions from 2 submitters: Uncertain significance (2). Last evaluated 2026-01-13.

Conditions:
Lymphoproliferative syndrome 1 (LPFS1). Identifiers: Orphanet 238505, Orphanet 538963, MedGen C3552634, MONDO:0013081, OMIM 613011.

Allele frequency attached by ClinVar (database versions not stated): ExAC 0.00001; gnomAD exomes 0.00001; gnomAD 0.00002; TOPMed 0.00003.
gnomAD v4.1: 22 of 1,613,646 alleles (0.0014%); highest among the groups gnomAD compares: African/African-American, 0.011%; no homozygotes.

Submissions (2):

Labcorp Genetics (formerly Invitae), Labcorp
Classification: Uncertain significance for Lymphoproliferative syndrome 1. Last evaluated: 2026-01-13. Review status: criteria provided, single submitter. Criteria: Invitae Variant Classification Sherloc (09022015). Collection method: clinical testing. Allele origin: germline.
Comment: This sequence change replaces valine, which is neutral and non-polar, with methionine, which is neutral and non-polar, at codon 275 of the ITK protein (p.Val275Met). This variant is present in population databases (rs780522355, gnomAD 0.007%). This variant has not been reported in the literature in individuals affected with ITK-related conditions. ClinVar contains an entry for this variant (Variation ID: 960571). Invitae Evidence Modeling of protein sequence and biophysical properties (such as structural, functional, and spatial information, amino acid conservation, physicochemical variation, residue mobility, and thermodynamic stability) indicates that this missense variant is not expected to disrupt ITK protein function with a negative predictive value of 80%. In summary, the available evidence is currently insufficient to determine the role of this variant in disease. Therefore, it has been classified as a Variant of Uncertain Significance.

Blueprint Genetics
Classification: Uncertain significance. Last evaluated: 2022-03-10. Review status: criteria provided, single submitter. Criteria: ACMG Guidelines, 2015. Collection method: clinical testing. Allele origin: germline.